The following is an entry in ClinVar:

ClinVar aggregate classification (germline): Benign. Review status: criteria provided, multiple submitters, no conflicts (2 of 4 stars). 4 submissions from 4 submitters: Benign (3). 1 of the submissions does not count toward it. Last evaluated 2026-02-02.

Conditions:
CPAMD8-related disorder. Also called: CPAMD8-related condition.

Allele frequency attached by ClinVar (database versions not stated): gnomAD exomes 0.07231 and 0.06543; 1000 Genomes Project 0.04093; 1000 Genomes Project 30x 0.04107; gnomAD 0.06405 and 0.06566; ExAC 0.06807; ESP Exome Variant Server 0.06898.
gnomAD v4.1: 112,599 of 1,570,120 alleles (7.2%); highest among the groups gnomAD compares: Middle Eastern, 8.2%; 4,825 homozygotes.

Submissions (4):

Labcorp Genetics (formerly Invitae), Labcorp
Classification: Benign. Last evaluated: 2026-02-02. Review status: criteria provided, single submitter. Criteria: Invitae Variant Classification Sherloc (09022015). Collection method: clinical testing. Allele origin: germline.

GeneDx
Classification: Benign. Last evaluated: 2021-05-04. Review status: criteria provided, single submitter. Criteria: GeneDx Variant Classification Process June 2021. Collection method: clinical testing. Allele origin: germline. Affected: yes.

Breakthrough Genomics
Classification: Benign. Review status: criteria provided, single submitter. Criteria: ACMG Guidelines, 2015. Collection method: not provided. Allele origin: germline. Inheritance: Autosomal recessive inheritance. Affected: yes.

PreventionGenetics, part of Exact Sciences
Classification: Benign for CPAMD8-related condition. Last evaluated: 2019-03-05. Review status: no assertion criteria provided. Collection method: clinical testing. Allele origin: germline. Not counted in ClinVar's aggregate classification.
Comment: This variant is classified as benign based on ACMG/AMP sequence variant interpretation guidelines (Richards et al. 2015 PMID: 25741868, with internal and published modifications).

NM_015692.5(CPAMD8):c.994G>A (p.Ala332Thr)

Gene: CPAMD8 (C3 and PZP like alpha-2-macroglobulin domain containing 8; minus strand). Cytogenetic location: 19p13.11.
Variant type: single nucleotide variant.
Coding change: c.994G>A on transcript NM_015692.5 (MANE Select); coding-DNA position 994, G replaced by A.
Protein change: p.Ala332Thr; replaces alanine 332 with threonine.
Molecular consequence: missense variant. On other transcripts: non-coding transcript variant (1).
Genome position (GRCh38, 1-based): chr19:16,997,212, C>T on the plus strand (G>A on the coding strand, the complement: CPAMD8 is on the minus strand). VCF-style: chr19-16997212-C-T. GRCh37 (hg19) VCF-style: chr19-17108022-C-T.
Other names: short protein forms A332T.
Identifiers: ClinVar variation 1239415 (VCV001239415.14), dbSNP rs62125985, ClinGen allele CA9285862.
Genomic context (GRCh38, chr19:16,997,212, plus strand): 5'-TGTCCTTGGAGTACCGGATGTCCACCAGCTGCCTCTGCACGGGGGTGGAGTCATCGAACG[C>T]GACCTGCTGGCTCCCGTCCACACTGGTCACCATGGCCCAGATGCTGACCCTGCCCCGGAA-3'
Protein context (NP_056507.3, residues 322-342): VTSVDGSQQV[Ala332Thr]FDDSTPVQRQ